The following is an entry in ClinVar:

NM_001256071.3(RNF213):c.2424G>T (p.Thr808=)

Gene: RNF213 (ring finger protein 213; plus strand). Cytogenetic location: 17q25.3.
Variant type: single nucleotide variant.
Coding change: c.2424G>T on transcript NM_001256071.3 (MANE Select); coding-DNA position 2424, G replaced by T.
Protein change: p.Thr808=; no amino-acid change (threonine 808 retained).
Molecular consequence: synonymous variant.
Genome position (GRCh38, 1-based): chr17:80,306,465, G>T. VCF-style: chr17-80306465-G-T. GRCh37 (hg19) VCF-style: chr17-78280265-G-T.
Other names: c.2571G>T, p.Thr857= (NM_001410195.1, NM_020914.5); c.2424G>T, p.Thr808= (NM_020954.4).
Identifiers: ClinVar variation 4535405 (VCV004535405.6).

ClinVar aggregate classification (germline): Likely benign (1 of 4 stars; one submission).

gnomAD v4.1: 3 of 1,613,916 alleles (0.00019%); highest among the groups gnomAD compares: Non-Finnish European, 0.000085%; no homozygotes.

Submission:

CeGaT Center for Human Genetics Tuebingen
Classification: Likely benign. Last evaluated: 2025-11-01. Review status: criteria provided, single submitter. Criteria: CeGaT Center For Human Genetics Tuebingen Variant Classification Criteria Version 2. Collection method: clinical testing. Allele origin: germline. Affected: yes. Observed: 1 variant allele.
Comment: RNF213: BP4, BP7